The following is an entry in ClinVar:

ClinVar aggregate classification (germline): Conflicting classifications of pathogenicity. Review status: criteria provided, conflicting classifications (1 of 4 stars). 3 submissions from 3 submitters: Uncertain significance (1); Likely benign (1). 1 of the submissions does not count toward it. Last evaluated 2025-08-02.

Conditions:
Kabuki syndrome 1 (KABUK1). Also called: KMT2D-Related Kabuki Syndrome. Identifiers: Orphanet 2322, MedGen CN030661, MONDO:0007843, OMIM 147920.
Choanal atresia-athelia-hypothyroidism-delayed puberty-short stature syndrome (BCAHH). Also called: BRANCHIAL ARCH ABNORMALITIES, CHOANAL ATRESIA, ATHELIA, HEARING LOSS, AND HYPOTHYROIDISM SYNDROME. Identifiers: Orphanet 589856, MedGen C5680310, MONDO:0035651, OMIM 620186.
KMT2D-related disorder. Also called: KMT2D-Related Disorders.
Kabuki syndrome. Also called: NIIKAWA-KUROKI SYNDROME; Kabuki make-up syndrome. Identifiers: Orphanet 2322, MedGen C0796004, MONDO:0016512.

Allele frequency attached by ClinVar (database versions not stated): gnomAD exomes below 0.00001 and 0.00001; gnomAD 0.00001; TOPMed below 0.00001; ExAC 0.00002; 1000 Genomes Project 30x 0.00016.
gnomAD v4.1: 6 of 1,613,968 alleles (0.00037%); highest among the groups gnomAD compares: East Asian, 0.0067%; no homozygotes.

Submissions (3):

Labcorp Genetics (formerly Invitae), Labcorp
Classification: Likely benign for Kabuki syndrome. Last evaluated: 2025-08-02. Review status: criteria provided, single submitter. Criteria: Invitae Variant Classification Sherloc (09022015). Collection method: clinical testing. Allele origin: germline.

Fulgent Genetics
Classification: Uncertain significance for Kabuki syndrome 1; Choanal atresia-athelia-hypothyroidism-delayed puberty-short stature syndrome. Last evaluated: 2024-01-20. Review status: criteria provided, single submitter. Criteria: ACMG Guidelines, 2015. Collection method: clinical testing. Allele origin: germline.

PreventionGenetics, part of Exact Sciences
Classification: Likely benign for KMT2D-related condition. Last evaluated: 2024-03-26. Review status: no assertion criteria provided. Collection method: clinical testing. Allele origin: germline. Not counted in ClinVar's aggregate classification.
Comment: This variant is classified as likely benign based on ACMG/AMP sequence variant interpretation guidelines (Richards et al. 2015 PMID: 25741868, with internal and published modifications).

NM_003482.4(KMT2D):c.5382G>A (p.Val1794=)

Gene: KMT2D (lysine methyltransferase 2D; minus strand). Cytogenetic location: 12q13.12.
Variant type: single nucleotide variant.
Coding change: c.5382G>A on transcript NM_003482.4 (MANE Select); coding-DNA position 5382, G replaced by A.
Protein change: p.Val1794=; no amino-acid change (valine 1794 retained).
Molecular consequence: synonymous variant.
Genome position (GRCh38, 1-based): chr12:49,043,720, C>T on the plus strand (G>A on the coding strand, the complement: KMT2D is on the minus strand). VCF-style: chr12-49043720-C-T. GRCh37 (hg19) VCF-style: chr12-49437503-C-T.
Other names: c.5382G>A (NM_003482.3).
Identifiers: ClinVar variation 1597093 (VCV001597093.10), dbSNP rs372647860, ClinGen allele CA6547551.
Genomic context (GRCh38, chr12:49,043,720, plus strand): 5'-CCTTTCTGAGCCTCCATCTCCCTTGGCTTTTGGGGTCCCTAGTCCAAAGCTTGGCCGGCC[C>T]ACCCCAACTGCAAAAAGGGCCTTACGGCTCAGGTCCAGCAGCTCCTTCCCAAAGAAGGCT-3'
Protein context (NP_003473.3, residues 1784-1804): LSRKALFAVG[Val1794=]GRPSFGLGTP